The following is an entry in ClinVar:

ClinVar aggregate classification (germline): Likely pathogenic (1 of 4 stars; one submission).

Conditions:
Lysosomal acid lipase deficiency. Also called: Acid cholesteryl ester hydrolase deficiency, type 2. Identifiers: Orphanet 275761, MedGen C5574740, MONDO:0800449, MONDO:0010204.

Allele frequency attached by ClinVar (database versions not stated): gnomAD 0.00001; TOPMed 0.00001.
gnomAD v4.1: 14 of 1,613,960 alleles (0.00087%); highest among the groups gnomAD compares: Admixed American, 0.0017%; no homozygotes.

Submission:

Alexion, Astrazeneca Rare Disease, Astrazeneca
Classification: Likely pathogenic for Lysosomal acid lipase deficiency. Last evaluated: 2019-06-01. Review status: criteria provided, single submitter. Criteria: ACMG Guidelines, 2015. Collection method: research. Allele origin: germline.
Comment: ACMG PS3 criterion ascertained by in-vitro functional study, PMID:31180157

Literature cited by the submitters: PubMed 31180157.

NM_000235.4(LIPA):c.1079T>A (p.Ile360Asn)

Gene: LIPA (lipase A, lysosomal acid type; minus strand). Cytogenetic location: 10q23.31.
Variant type: single nucleotide variant.
Coding change: c.1079T>A on transcript NM_000235.4 (MANE Select); coding-DNA position 1079, T replaced by A.
Protein change: p.Ile360Asn; replaces isoleucine 360 with asparagine.
Molecular consequence: missense variant.
Genome position (GRCh38, 1-based): chr10:89,214,949, A>T on the plus strand (T>A on the coding strand, the complement: LIPA is on the minus strand). VCF-style: chr10-89214949-A-T. GRCh37 (hg19) VCF-style: chr10-90974706-A-T.
Other names: c.1079T>A, p.Ile360Asn (NM_001127605.3); c.731T>A, p.Ile244Asn (NM_001288979.2); short protein forms I244N, I360N.
Identifiers: ClinVar variation 695038 (VCV000695038.2), dbSNP rs776294856, ClinGen allele CA5593510.
Genomic context (GRCh38, chr10:89,214,949, plus strand): 5'-CCCCAAATGAAGTCAAGATGCTCCCATTCCGGAATGCTCTCATGGAACACCAAGTTGGTG[A>T]TCTGAGTCAGTAAGATATTGACGTCGTAGACATCTGCAAGCCAGTCGTGACCCCCGCTCC-3'
Protein context (NP_000226.2, residues 350-370): VYDVNILLTQ[Ile360Asn]TNLVFHESIP